The following is an entry in ClinVar:

ClinVar aggregate classification (germline): Pathogenic (1 of 4 stars; one submission).

Conditions:
Telangiectasia, hereditary hemorrhagic, type 1 (HHT1). Also called: Osler Weber Rendu syndrome type 1; ENG-Related Hereditary Hemorrhagic Telangiectasia. Identifiers: Orphanet 774, MedGen C4551861, MONDO:0008535, OMIM 187300. Disease mechanism: loss of function.

Submission:

ARUP Laboratories, Molecular Genetics and Genomics, ARUP Laboratories
Classification: Pathogenic for Telangiectasia, hereditary hemorrhagic, type 1. Last evaluated: 2019-02-21. Review status: criteria provided, single submitter. Criteria: ARUP Molecular Germline Variant Investigation Process. Collection method: clinical testing. Allele origin: germline.
Comment: The ENG c.838A>T; p.Lys280Ter variant, to our knowledge, is not reported in the medical literature or gene-specific databases. This variant is also absent from general population databases (Exome Variant Server, Genome Aggregation Database), indicating it is not a common polymorphism. This variant induces an early termination codon and is predicted to result in a truncated protein or mRNA subject to nonsense-mediated decay. ENG loss-of-function is an established mechanism of disease, and truncating variants downstream of p.Lys280Ter are reported in individuals with symptoms or diagnoses of hereditary hemorrhagic telangiectasia and are considered pathogenic (Lesca 2004, McDonald 2011). Based on available information, the p.Lys280Ter variant is considered to be pathogenic. References: Lesca G et al. Molecular screening of ALK1/ACVRL1 and ENG genes in hereditary hemorrhagic telangiectasia in France. Hum Mutat. 2004 Apr;23(4):289-99. McDonald J et al. Molecular diagnosis in hereditary hemorrhagic telangiectasia: findings in a series tested simultaneously by sequencing and deletion/duplication analysis. Clin Genet. 2011 Apr;79(4):335-44.

NM_001114753.3(ENG):c.838A>T (p.Lys280Ter)

Gene: ENG (endoglin; minus strand). Cytogenetic location: 9q34.11.
Variant type: single nucleotide variant.
Coding change: c.838A>T on transcript NM_001114753.3 (MANE Select); coding-DNA position 838, A replaced by T.
Protein change: p.Lys280Ter; replaces lysine 280 with a stop codon.
Molecular consequence: nonsense.
Genome position (GRCh38, 1-based): chr9:127,824,953, T>A on the plus strand (A>T on the coding strand, the complement: ENG is on the minus strand). VCF-style: chr9-127824953-T-A. GRCh37 (hg19) VCF-style: chr9-130587232-T-A.
Other names: c.838A>T, p.Lys280Ter (NM_000118.4, NM_001406715.1); c.292A>T, p.Lys98Ter (NM_001278138.2); short protein forms K280*, K98*.
Identifiers: ClinVar variation 811329 (VCV000811329.8), dbSNP rs1588581497, ClinGen allele CA374982789.